The following is an entry in ClinVar:

NM_000051.4(ATM):c.1019C>A (p.Ala340Asp)

Gene: ATM (ATM serine/threonine kinase; plus strand). Cytogenetic location: 11q22.3.
Variant type: single nucleotide variant.
Coding change: c.1019C>A on transcript NM_000051.4 (MANE Select); coding-DNA position 1019, C replaced by A.
Protein change: p.Ala340Asp; replaces alanine 340 with aspartic acid.
Molecular consequence: missense variant.
Genome position (GRCh38, 1-based): chr11:108,247,081, C>A. VCF-style: chr11-108247081-C-A. GRCh37 (hg19) VCF-style: chr11-108117808-C-A.
Other names: c.1019C>A, p.Ala340Asp (NM_001351834.2); short protein forms A340D.
Identifiers: ClinVar variation 231970 (VCV000231970.14), dbSNP rs730881387, ClinGen allele CA10578990.

ClinVar aggregate classification (germline): Uncertain significance. Review status: criteria provided, multiple submitters, no conflicts (2 of 4 stars). 2 submissions from 2 submitters: Uncertain significance (2). Last evaluated 2023-10-09.

Conditions:
Hereditary cancer-predisposing syndrome. Also called: Hereditary Cancer Syndrome; Neoplastic Syndromes, Hereditary; Tumor predisposition; Hereditary neoplastic syndrome. Identifiers: Orphanet 140162, MedGen C0027672, MeSH D009386, MONDO:0015356.
Ataxia-telangiectasia syndrome (AT). Also called: Ataxia telangiectasia (A-T); Ataxia-telangiectasia, complementation group E; LOUIS-BAR SYNDROME; Cerebello-oculocutaneous telangiectasia; Immunodeficiency with ataxia telangiectasia; Ataxia-telangiectasia, complementation group D. Identifiers: Orphanet 100, MedGen C0004135, MONDO:0008840, OMIM 208900.

Submissions (2):

Labcorp Genetics (formerly Invitae), Labcorp
Classification: Uncertain significance for Ataxia-telangiectasia syndrome. Last evaluated: 2023-10-09. Review status: criteria provided, single submitter. Criteria: Invitae Variant Classification Sherloc (09022015). Collection method: clinical testing. Allele origin: germline.
Comment: This sequence change replaces alanine, which is neutral and non-polar, with aspartic acid, which is acidic and polar, at codon 340 of the ATM protein (p.Ala340Asp). This variant is not present in population databases (gnomAD no frequency). This variant has not been reported in the literature in individuals affected with ATM-related conditions. ClinVar contains an entry for this variant (Variation ID: 231970). An algorithm developed to predict the effect of missense changes on protein structure and function (PolyPhen-2) suggests that this variant is likely to be disruptive. In summary, the available evidence is currently insufficient to determine the role of this variant in disease. Therefore, it has been classified as a Variant of Uncertain Significance.

Ambry Genetics
Classification: Uncertain significance for Hereditary cancer-predisposing syndrome. Last evaluated: 2015-05-21. Review status: criteria provided, single submitter. Criteria: Ambry Variant Classification Scheme 2023. Collection method: clinical testing. Allele origin: germline.
Comment: The p.A340D variant (also known as c.1019C>A), located in coding exon 7 of the ATM gene, results from a C to A substitution at nucleotide position 1019. The alanine at codon 340 is replaced by aspartic acid, an amino acid with dissimilar properties. This variant was not reported in population based cohorts in the following databases: Database of Single Nucleotide Polymorphisms (dbSNP), NHLBI Exome Sequencing Project (ESP), and 1000 Genomes Project. In the ESP, this variant was not observed in 6499 samples (12998 alleles) with coverage at this position. To date, this alteration has been detected with an allele frequency of approximately 0.002% (greater than 66000 alleles tested) in our clinical cohort. This amino acid position is highly conserved in available vertebrate species. In addition, this alteration is predicted to be possibly damaging and tolerated by PolyPhen and SIFT in silico analyses, respectively. Since supporting evidence is limited at this time, the clinical significance of p.A340D remains unclear.